The following is an entry in ClinVar:

NM_004963.4(GUCY2C):c.1153T>A (p.Ser385Thr)

Genes: GUCY2C (guanylate cyclase 2C; minus strand), GUCY2C-AS1 (GUCY2C antisense RNA 1; plus strand). Cytogenetic location: 12p12.3.
Variant type: single nucleotide variant.
Coding change: c.1153T>A on transcript NM_004963.4 (MANE Select); coding-DNA position 1153, T replaced by A.
Protein change: p.Ser385Thr; replaces serine 385 with threonine.
Molecular consequence: missense variant.
Genome position (GRCh38, 1-based): chr12:14,672,890, A>T on the plus strand (T>A on the coding strand, the complement: GUCY2C is on the minus strand). VCF-style: chr12-14672890-A-T. GRCh37 (hg19) VCF-style: chr12-14825824-A-T.
Other names: c.1153T>A (NM_004963.3); short protein forms S385T.
Identifiers: ClinVar variation 2155871 (VCV002155871.5), dbSNP rs752435021, ClinGen allele CA6463530.
Genomic context (GRCh38, chr12:14,672,890, plus strand): 5'-CAGTCACAGCACCCTGAATTTTCTGATAAGCAGTGAGACATACTTTCTTGGTGTCCACAG[A>T]GGTATACAGAAGCACCATGGTACTGTCAACATCCCCCCAGTCATCCAAGGTCACTGGACC-3'
Protein context (NP_004954.2, residues 375-395): VDSTMVLLYT[Ser385Thr]VDTKKYKVLL

ClinVar aggregate classification (germline): Uncertain significance. Review status: criteria provided, multiple submitters, no conflicts (2 of 4 stars). 2 submissions from 2 submitters: Uncertain significance (2). Last evaluated 2025-08-04.

Conditions:
Inborn genetic diseases. Identifiers: MedGen C0950123, MeSH D030342.

Allele frequency attached by ClinVar (database versions not stated): gnomAD 0.00001; gnomAD exomes 0.00001; TOPMed 0.00001; ExAC 0.00002.
gnomAD v4.1: 22 of 1,598,790 alleles (0.0014%); highest among the groups gnomAD compares: Admixed American, 0.0017%; no homozygotes.

Submissions (2):

Ambry Genetics
Classification: Uncertain significance for Inborn genetic diseases. Last evaluated: 2025-08-04. Review status: criteria provided, single submitter. Criteria: Ambry Variant Classification Scheme 2023. Collection method: clinical testing. Allele origin: germline.

Labcorp Genetics (formerly Invitae), Labcorp
Classification: Uncertain significance. Last evaluated: 2025-01-30. Review status: criteria provided, single submitter. Criteria: Invitae Variant Classification Sherloc (09022015). Collection method: clinical testing. Allele origin: germline.
Comment: This sequence change replaces serine, which is neutral and polar, with threonine, which is neutral and polar, at codon 385 of the GUCY2C protein (p.Ser385Thr). This variant is present in population databases (rs752435021, gnomAD 0.006%). This variant has not been reported in the literature in individuals affected with GUCY2C-related conditions. ClinVar contains an entry for this variant (Variation ID: 2155871). Invitae Evidence Modeling of protein sequence and biophysical properties (such as structural, functional, and spatial information, amino acid conservation, physicochemical variation, residue mobility, and thermodynamic stability) indicates that this missense variant is not expected to disrupt GUCY2C protein function with a negative predictive value of 80%. In summary, the available evidence is currently insufficient to determine the role of this variant in disease. Therefore, it has been classified as a Variant of Uncertain Significance.